The following is an entry in ClinVar:

NM_006610.4(MASP2):c.1142C>T (p.Thr381Ile)

Gene: MASP2 (MBL associated serine protease 2; minus strand). Cytogenetic location: 1p36.22.
Variant type: single nucleotide variant.
Coding change: c.1142C>T on transcript NM_006610.4 (MANE Select); coding-DNA position 1142, C replaced by T.
Protein change: p.Thr381Ile; replaces threonine 381 with isoleucine.
Molecular consequence: missense variant.
Genome position (GRCh38, 1-based): chr1:11,030,828, G>A on the plus strand (C>T on the coding strand, the complement: MASP2 is on the minus strand). VCF-style: chr1-11030828-G-A. GRCh37 (hg19) VCF-style: chr1-11090885-G-A.
Other names: short protein forms T381I.
Identifiers: ClinVar variation 291784 (VCV000291784.11), dbSNP rs143981111, ClinGen allele CA586778.
Genomic context (GRCh38, chr1:11,030,828, plus strand): 5'-TAGAAGGTCTCTTCACAGCTGTACTGAATCACAGCTTTGTAGGTGGTCACTCCAGGACCT[G>A]TGATGTACTCCACTCGGCCACTGGGTAGATCATCAGGAGGGCCACAGTCAACAACTAAGA-3'
Protein context (NP_006601.2, residues 371-391): DLPSGRVEYI[Thr381Ile]GPGVTTYKAV

ClinVar aggregate classification (germline): Conflicting classifications of pathogenicity. Review status: criteria provided, conflicting classifications (1 of 4 stars). 5 submissions from 5 submitters: Uncertain significance (2); Likely benign (1). 2 of the submissions do not count toward it. Last evaluated 2026-02-11.

Conditions:
Immunodeficiency due to MASP-2 deficiency. Also called: MASP2 deficiency; LECTIN COMPLEMENT ACTIVATION PATHWAY, DEFECT IN, 2. Identifiers: Orphanet 331187, MedGen C3151085, MONDO:0013423, OMIM 613791.

Allele frequency attached by ClinVar (database versions not stated): 1000 Genomes Project 30x 0.00016; 1000 Genomes Project 0.00020; TOPMed 0.00057; ExAC 0.00059; gnomAD 0.00062 and 0.00063; gnomAD exomes 0.00062 and 0.00091; ESP Exome Variant Server 0.00085.
gnomAD v4.1: 1,414 of 1,613,926 alleles (0.088%); highest among the groups gnomAD compares: Non-Finnish European, 0.11%; no homozygotes.

Submissions (5):

Women's Health and Genetics/Laboratory Corporation of America, LabCorp
Classification: Likely benign. Last evaluated: 2026-02-11. Review status: criteria provided, single submitter. Criteria: LabCorp Variant Classification Summary - May 2015. Collection method: clinical testing. Allele origin: germline.
Comment: Variant summary: MASP2 c.1142C>T (p.Thr381Ile) results in a non-conservative amino acid change in the encoded protein sequence. Algorithms developed to predict the effect of missense changes on protein structure and function all suggest that this variant is likely to be disruptive. The variant allele was found at a frequency of 0.00062 in 251252 control chromosomes, predominantly at a frequency of 0.0012 within the Non-Finnish European subpopulation in the gnomAD database. The observed variant frequency within Non-Finnish European control individuals in the gnomAD database exceeds the estimated maximal expected allele frequency for disease-causing variants in MASP2. To our knowledge, no occurrence of c.1142C>T in individuals affected with MASP2-related conditions and no experimental evidence demonstrating its impact on protein function have been reported. ClinVar contains an entry for this variant (Variation ID: 291784). Based on the evidence outlined above, the variant was classified as likely benign.

Blueprint Genetics
Classification: Uncertain significance. Last evaluated: 2024-11-13. Review status: criteria provided, single submitter. Criteria: ACMG Guidelines, 2015. Collection method: clinical testing. Allele origin: germline.

Illumina Laboratory Services, Illumina
Classification: Uncertain significance for Immunodeficiency due to MASP-2 deficiency. Last evaluated: 2018-01-13. Review status: criteria provided, single submitter. Criteria: ICSL Variant Classification Criteria 13 December 2019. Collection method: clinical testing. Allele origin: germline.

Clinical Genetics DNA and cytogenetics Diagnostics Lab, Erasmus MC, Erasmus Medical Center
Classification: Uncertain significance. Review status: no assertion criteria provided. Collection method: clinical testing. Allele origin: germline. Affected: yes. Study: VKGL Data-share Consensus. Not counted in ClinVar's aggregate classification.

Diagnostic Laboratory, Department of Genetics, University Medical Center Groningen
Classification: Uncertain significance. Review status: no assertion criteria provided. Collection method: clinical testing. Allele origin: germline. Affected: yes. Study: VKGL Data-share Consensus. Not counted in ClinVar's aggregate classification.